The following is an entry in ClinVar:

ClinVar aggregate classification (germline): Uncertain significance (1 of 4 stars; one submission).

gnomAD v4.1: 3 of 1,611,692 alleles (0.00019%); highest among the groups gnomAD compares: Non-Finnish European, 0.00025%; no homozygotes.

Submission:

Ambry Genetics
Classification: Uncertain significance. Last evaluated: 2026-08-23. Review status: criteria provided, single submitter. Criteria: Ambry Variant Classification Scheme 2023. Collection method: clinical testing. Allele origin: germline.
Comment: The p.I804L variant (also known as c.2410A>C), located in coding exon 11 of the WNK2 gene, results from an A to C substitution at nucleotide position 2410. The isoleucine at codon 804 is replaced by leucine, an amino acid with highly similar properties. This amino acid position is conserved. In addition, this alteration is predicted to be tolerated by in silico analysis. Based on the available evidence, the clinical significance of this variant remains unclear.

NM_006648.4(WNK2):c.2410A>C (p.Ile804Leu)

Gene: WNK2 (WNK lysine deficient protein kinase 2; plus strand). Cytogenetic location: 9q22.31.
Variant type: single nucleotide variant.
Coding change: c.2410A>C on transcript NM_006648.4 (MANE Select); coding-DNA position 2410, A replaced by C.
Protein change: p.Ile804Leu; replaces isoleucine 804 with leucine.
Molecular consequence: missense variant.
Genome position (GRCh38, 1-based): chr9:93,258,958, A>C. VCF-style: chr9-93258958-A-C. GRCh37 (hg19) VCF-style: chr9-96021240-A-C.
Other names: c.2410A>C, p.Ile804Leu (NM_001282394.3); short protein forms I804L.
Identifiers: ClinVar variation 5031946 (VCV005031946.1).
Genomic context (GRCh38, chr9:93,258,958, plus strand): 5'-GCCCACACTGACACACTCCTGTGTCTCTTTCAGATGCCCCCGATTCCTGTTGTGCCCCCC[A>C]TCACGCCCCTGGCGGGAATCGACGGCCTCCCTCCGGCCCTCCCAGACCTGCCGACCGCGA-3'
Protein context (NP_006639.3, residues 794-814): QMPPIPVVPP[Ile804Leu]TPLAGIDGLP